The following is an entry in ClinVar:

NM_134444.5(NLRP4):c.2019-215T>C

Gene: NLRP4 (NLR family pyrin domain containing 4; plus strand). Cytogenetic location: 19q13.43.
Variant type: single nucleotide variant.
Coding change: c.2019-215T>C on transcript NM_134444.5 (MANE Select); 215 bases into the intron before coding-DNA position 2019, T replaced by C.
Molecular consequence: intron variant.
Genome position (GRCh38, 1-based): chr19:55,861,777, T>C. VCF-style: chr19-55861777-T-C. GRCh37 (hg19) VCF-style: chr19-56373143-T-C.
Identifiers: ClinVar variation 103220 (VCV000103220.2), dbSNP rs199475749, ClinGen allele CA230274.

ClinVar aggregate classification (germline): not provided (0 of 4 stars; one submission).

Allele frequency attached by ClinVar (database versions not stated): 1000 Genomes Project 0.00020; 1000 Genomes Project 30x 0.00047; gnomAD 0.00132 and 0.00140; TOPMed 0.00139.
gnomAD v4.1: 198 of 152,284 alleles (0.13%); highest among the groups gnomAD compares: African/African-American, 0.41%; no homozygotes.

Submission:

Human Evolutionary Genetics, Institut Pasteur
No classification provided. Review status: no classification provided. Collection method: not provided. Allele origin: germline.
ClinVar note: Converted during submission from untested to not provided.